The following is an entry in ClinVar:

NM_138459.5(NUS1):c.178C>G (p.Pro60Ala)

Gene: NUS1 (NUS1 dehydrodolichyl diphosphate synthase subunit; plus strand). Cytogenetic location: 6q22.1.
Variant type: single nucleotide variant.
Coding change: c.178C>G on transcript NM_138459.5 (MANE Select); coding-DNA position 178, C replaced by G.
Protein change: p.Pro60Ala; replaces proline 60 with alanine.
Molecular consequence: missense variant.
Genome position (GRCh38, 1-based): chr6:117,675,848, C>G. VCF-style: chr6-117675848-C-G. GRCh37 (hg19) VCF-style: chr6-117997011-C-G.
Other names: short protein forms P60A.
Identifiers: ClinVar variation 1719358 (VCV001719358.5), dbSNP rs1436843770, ClinGen allele CA365536059.

ClinVar aggregate classification (germline): Uncertain significance (1 of 4 stars; one submission).

Conditions:
Congenital disorder of glycosylation, type Iaa. Also called: Congenital disorder of glycosylation, type 1aa. Identifiers: MedGen C4310727, MONDO:0014904, OMIM 617082.

Submission:

Labcorp Genetics (formerly Invitae), Labcorp
Classification: Uncertain significance for Congenital disorder of glycosylation, type Iaa. Last evaluated: 2024-10-17. Review status: criteria provided, single submitter. Criteria: Invitae Variant Classification Sherloc (09022015). Collection method: clinical testing. Allele origin: germline.
Comment: This sequence change replaces proline, which is neutral and non-polar, with alanine, which is neutral and non-polar, at codon 60 of the NUS1 protein (p.Pro60Ala). This variant is not present in population databases (gnomAD no frequency). This variant has not been reported in the literature in individuals affected with NUS1-related conditions. ClinVar contains an entry for this variant (Variation ID: 1719358). An algorithm developed to predict the effect of missense changes on protein structure and function (PolyPhen-2) suggests that this variant is likely to be tolerated. In summary, the available evidence is currently insufficient to determine the role of this variant in disease. Therefore, it has been classified as a Variant of Uncertain Significance.